The following is an entry in ClinVar:

NM_007294.4(BRCA1):c.2603C>G (p.Ser868Ter)

Gene: BRCA1 (BRCA1 DNA repair associated; minus strand). Cytogenetic location: 17q21.31.
Variant type: single nucleotide variant.
Coding change: c.2603C>G on transcript NM_007294.4 (MANE Select); coding-DNA position 2603, C replaced by G.
Protein change: p.Ser868Ter; replaces serine 868 with a stop codon.
Molecular consequence: nonsense. On other transcripts: intron variant (137).
Genome position (GRCh38, 1-based): chr17:43,092,928, G>C on the plus strand (C>G on the coding strand, the complement: BRCA1 is on the minus strand). VCF-style: chr17-43092928-G-C. GRCh37 (hg19) VCF-style: chr17-41244945-G-C.
Other names: p.S868*:TCA>TGA; 2722C>G; c.2600C>G, p.Ser867Ter (NM_001407860.1, NM_001407861.1, NM_001407587.1 and 22 more transcripts); c.2402C>G, p.Ser801Ter (NM_001407862.1); c.2480C>G, p.Ser827Ter (NM_001407863.1, NM_001407919.1, NM_001407937.1 and 19 more transcripts); c.2399C>G, p.Ser800Ter (NM_001407874.1, NM_001407875.1); c.2393C>G, p.Ser798Ter (NM_001407879.1, NM_001407881.1, NM_001407882.1 and 13 more transcripts); c.2390C>G, p.Ser797Ter (NM_001407894.1, NM_001407895.1, NM_001407896.1 and 9 more transcripts); and 43 more; short protein forms S868*, S821*, S740*, S757*, S797*, S801*, S865*, S741*.
Identifiers: ClinVar variation 37477 (VCV000037477.35), dbSNP rs80356925, ClinGen allele CA001714.

ClinVar aggregate classification (germline): Pathogenic. Review status: reviewed by expert panel (3 of 4 stars). 16 submissions from 16 submitters: Pathogenic (1). 15 of the submissions do not count toward it. Last evaluated 2016-09-08.

Conditions:
BRCA1-related disorder. Also called: BRCA1-related condition.
Hereditary cancer-predisposing syndrome. Also called: Tumor predisposition; Neoplastic Syndromes, Hereditary; Hereditary Cancer Syndrome; Hereditary neoplastic syndrome. Identifiers: Orphanet 140162, MedGen C0027672, MeSH D009386, MONDO:0015356.
Hereditary breast ovarian cancer syndrome. Also called: Hereditary breast and ovarian cancer syndrome (HBOC); Hereditary breast and ovarian cancer syndrome; Hereditary breast and ovarian cancer; Hereditary breast and/or ovarian cancer syndrome; Breast and ovarian cancer; BRCA1- and BRCA2-Associated Hereditary Breast and Ovarian Cancer. Identifiers: Orphanet 145, MedGen C0677776, MeSH D061325, MONDO:0003582. Disease mechanism: loss of function.
Breast-ovarian cancer, familial, susceptibility to, 1 (BROVCA1). Also called: OVARIAN CANCER, SUSCEPTIBILITY TO; BRCA1 Hereditary Breast and Ovarian Cancer. Identifiers: Orphanet 145, MedGen C2676676, MONDO:0011450, OMIM 604370. Disease mechanism: loss of function.

Allele frequency attached by ClinVar (database versions not stated): gnomAD exomes below 0.00001.
gnomAD v4.1: 2 of 1,613,782 alleles (0.00012%); highest among the groups gnomAD compares: South Asian, 0.0022%; no homozygotes.

Submissions 1 to 10 of 16:

Evidence-based Network for the Interpretation of Germline Mutant Alleles (ENIGMA)
Classification: Pathogenic for Breast-ovarian cancer, familial, susceptibility to, 1. Last evaluated: 2016-09-08. Review status: reviewed by expert panel. Criteria: ENIGMA BRCA1/2 Classification Criteria (2015). Collection method: curation. Allele origin: germline.
Comment: Variant allele predicted to encode a truncated non-functional protein.

Labcorp Genetics (formerly Invitae), Labcorp
Classification: Pathogenic for Hereditary breast ovarian cancer syndrome. Last evaluated: 2026-01-26. Review status: criteria provided, single submitter. Criteria: Invitae Variant Classification Sherloc (09022015). Collection method: clinical testing. Allele origin: germline. Not counted in ClinVar's aggregate classification.
Comment: This sequence change creates a premature translational stop signal (p.Ser868*) in the BRCA1 gene. It is expected to result in an absent or disrupted protein product. Loss-of-function variants in BRCA1 are known to be pathogenic (PMID: 20104584). This variant is present in population databases (rs80356925, gnomAD 0.003%). This premature translational stop signal has been observed in individual(s) with breast and ovarian cancer (PMID: 12181777, 21553119, 22006311, 26681312, 27553291). This variant is also known as 2722C>G, p.Ser868X. ClinVar contains an entry for this variant (Variation ID: 37477). For these reasons, this variant has been classified as Pathogenic.

GeneDx
Classification: Pathogenic. Last evaluated: 2025-10-01. Review status: criteria provided, single submitter. Criteria: GeneDx Variant Classification Process June 2021. Collection method: clinical testing. Allele origin: germline. Affected: yes. Not counted in ClinVar's aggregate classification.
Comment: Truncating variants in this gene are considered pathogenic by a well-established clinical consortium and/or database; Also known as 2722C>G; Nonsense variant predicted to result in protein truncation or nonsense mediated decay in a gene for which loss of function is a known mechanism of disease; Not observed at significant frequency in large population cohorts (gnomAD); Identified in several individuals with breast and/or ovarian cancer (PMID: 12181777, 19340607, 22006311, 21553119, 27553291); This variant is associated with the following publications: (PMID: 19340607, 25525159, 16818684, 22006311, 17851763, 23725378, 21553119, 27553291, 27767231, 12181777, 29446198, 30720243, 30322717, 31528241, 33654310, 32341426, 33461583, 28888541, 39344744, 29922827, 39550490, 36385461, 38575974, 35377489)

Ambry Genetics
Classification: Pathogenic for Hereditary cancer-predisposing syndrome. Last evaluated: 2025-04-10. Review status: criteria provided, single submitter. Criteria: Ambry Variant Classification Scheme 2023. Collection method: clinical testing. Allele origin: germline. Not counted in ClinVar's aggregate classification.
Comment: The p.S868* pathogenic mutation (also known as c.2603C>G), located in coding exon 9 of the BRCA1 gene, results from a C to G substitution at nucleotide position 2603. This changes the amino acid from a serine to a stop codon within coding exon 9. This mutation has been reported in multiple breast and/or ovarian cancer families across several ethnicities (Li WF et al. Breast Cancer Res. Treat. 2008 Jul;110(1):99-109; Liede A et al. Am. J. Hum. Genet. 2002 Sep;71(3):595-606; Walsh T et al. Proc. Natl. Acad. Sci. U.S.A. 2011 Nov;108(44):18032-7; Rashid MU et al. BMC Cancer. 2016 Aug;16:673). Of note, this alteration is also designated as 2722C>G in published literature. In addition to the clinical data presented in the literature, this alteration is expected to result in loss of function by premature protein truncation or nonsense-mediated mRNA decay. As such, this alteration is interpreted as a disease-causing mutation.

Women's Health and Genetics/Laboratory Corporation of America, LabCorp
Classification: Pathogenic for Hereditary breast ovarian cancer syndrome. Last evaluated: 2024-03-11. Review status: criteria provided, single submitter. Criteria: LabCorp Variant Classification Summary - May 2015. Collection method: clinical testing. Allele origin: germline. Not counted in ClinVar's aggregate classification.
Comment: Variant summary: BRCA1 c.2603C>G (p.Ser868X) results in a premature termination codon, predicted to cause a truncation of the encoded protein or absence of the protein due to nonsense mediated decay, which are commonly known mechanisms for disease. The variant allele was found at a frequency of 4e-06 in 251518 control chromosomes. c.2603C>G has been reported in the literature in multiple individuals affected with Hereditary Breast And Ovarian Cancer Syndrome. These data indicate that the variant is very likely to be associated with disease. The following publications have been ascertained in the context of this evaluation (PMID: 18284688, 22762150, 22006311, 15340362, 12181777, 21559243, 21553119). ClinVar contains an entry for this variant (Variation ID: 37477). Based on the evidence outlined above, the variant was classified as pathogenic.

Quest Diagnostics Nichols Institute San Juan Capistrano
Classification: Pathogenic. Last evaluated: 2023-01-25. Review status: criteria provided, single submitter. Criteria: Quest Diagnostics criteria. Collection method: clinical testing. Allele origin: unknown. Not counted in ClinVar's aggregate classification.
Comment: This nonsense variant causes the premature termination of BRCA1 protein synthesis. The frequency of this variant in the general population, 0.000004 (1/251118 chromosomes), is consistent with pathogenicity. In the published literature, the variant has been reported in individuals with breast and/or ovarian cancer (PMIDs: 32341426 (2020), 31528241 (2019), 30322717 (2018), 22006311 (2011), 17445839 (2007), 12181777 (2002)). Based on the available information, this variant is classified as pathogenic.

Sema4
Classification: Pathogenic for Hereditary cancer-predisposing syndrome. Last evaluated: 2021-10-18. Review status: criteria provided, single submitter. Criteria: Sema4 Curation Guidelines. Collection method: curation. Allele origin: germline. Not counted in ClinVar's aggregate classification.
Comment: The BRCA1 c.2603C>G (p.S868X) variant has been reported in heterozygosity in multiple individuals with breast and ovarian cancers (PMID: 29446198, 30322717, 32341426, 31528241). This variant is a well-established pathogenic variant associated with hereditary breast and ovarian cancer (PMID: 29446198). This nonsense variant creates a premature stop codon at residue 868 of the BRCA1 protein. At this location, this is predicted to cause nonsense-mediated decay and result in an absent protein (loss of function). Loss of function variants in BRCA1 are known to be pathogenic (PMID: 29446198). This variant was observed in 1/30602 chromosomes in the South Asian population according to the Genome Aggregation Database (PMID: 32461654), and has been reported in ClinVar (Variation ID: 37477). Based on the current evidence available, this variant is interpreted as pathogenic.

Color Diagnostics, LLC DBA Color Health
Classification: Pathogenic for Hereditary cancer-predisposing syndrome. Last evaluated: 2020-01-15. Review status: criteria provided, single submitter. Criteria: ACMG Guidelines, 2015. Collection method: clinical testing. Allele origin: germline. Not counted in ClinVar's aggregate classification.
Comment: This variant changes 1 nucleotide in exon 10 of the BRCA1 gene, creating a premature translation stop signal. This variant is expected to result in an absent or non-functional protein product. This variant has been identified in 1/251118 chromosomes in the general population by the Genome Aggregation Database (gnomAD). Loss of BRCA1 function is a known mechanism of disease. Based on the available evidence, this variant is classified as Pathogenic.

Revvity Omics, Revvity
Classification: Pathogenic. Last evaluated: 2019-01-15. Review status: criteria provided, single submitter. Criteria: ACMG Guidelines, 2015. Collection method: clinical testing. Allele origin: germline. Not counted in ClinVar's aggregate classification.

Consortium of Investigators of Modifiers of BRCA1/2 (CIMBA), c/o University of Cambridge
Classification: Pathogenic for Breast-ovarian cancer, familial, susceptibility to, 1. Last evaluated: 2015-10-02. Review status: criteria provided, single submitter. Criteria: CIMBA Mutation Classification guidelines May 2016. Collection method: clinical testing. Allele origin: germline. Not counted in ClinVar's aggregate classification.